The following is an entry in ClinVar:

NM_003184.4(TAF2):c.726A>G (p.Thr242=)

Gene: TAF2 (TATA-box binding protein associated factor 2; minus strand). Cytogenetic location: 8q24.12.
Variant type: single nucleotide variant.
Coding change: c.726A>G on transcript NM_003184.4 (MANE Select); coding-DNA position 726, A replaced by G.
Protein change: p.Thr242=; no amino-acid change (threonine 242 retained).
Molecular consequence: synonymous variant.
Genome position (GRCh38, 1-based): chr8:119,801,860, T>C on the plus strand (A>G on the coding strand, the complement: TAF2 is on the minus strand). VCF-style: chr8-119801860-T-C. GRCh37 (hg19) VCF-style: chr8-120814100-T-C.
Identifiers: ClinVar variation 745675 (VCV000745675.24), dbSNP rs142274482, ClinGen allele CA4857502.

ClinVar aggregate classification (germline): Likely benign. Review status: criteria provided, multiple submitters, no conflicts (2 of 4 stars). 3 submissions from 3 submitters: Likely benign (3). Last evaluated 2025-10-06.

Allele frequency attached by ClinVar (database versions not stated): gnomAD exomes 0.00004 and 0.00010; ExAC 0.00012; ESP Exome Variant Server 0.00023; 1000 Genomes Project 0.00040; TOPMed 0.00040; gnomAD 0.00044 and 0.00045; 1000 Genomes Project 30x 0.00078.
gnomAD v4.1: 130 of 1,614,186 alleles (0.0081%); highest among the groups gnomAD compares: African/African-American, 0.15%; 2 homozygotes.

Submissions (3):

Labcorp Genetics (formerly Invitae), Labcorp
Classification: Likely benign. Last evaluated: 2025-10-06. Review status: criteria provided, single submitter. Criteria: Invitae Variant Classification Sherloc (09022015). Collection method: clinical testing. Allele origin: germline.

CeGaT Center for Human Genetics Tuebingen
Classification: Likely benign. Last evaluated: 2024-11-01. Review status: criteria provided, single submitter. Criteria: CeGaT Center For Human Genetics Tuebingen Variant Classification Criteria Version 2. Collection method: clinical testing. Allele origin: germline. Affected: yes. Observed: 1 variant allele.
Comment: TAF2: BP4, BP7

Blueprint Genetics
Classification: Likely benign. Last evaluated: 2023-12-14. Review status: criteria provided, single submitter. Criteria: ACMG Guidelines, 2015. Collection method: clinical testing. Allele origin: germline.